The following is an entry in ClinVar:

NM_006218.4(PIK3CA):c.1580A>G (p.Asp527Gly)

Gene: PIK3CA (phosphatidylinositol-4,5-bisphosphate 3-kinase catalytic subunit alpha; plus strand). Cytogenetic location: 3q26.32.
Variant type: single nucleotide variant.
Coding change: c.1580A>G on transcript NM_006218.4 (MANE Select); coding-DNA position 1580, A replaced by G.
Protein change: p.Asp527Gly; replaces aspartic acid 527 with glycine.
Molecular consequence: missense variant.
Genome position (GRCh38, 1-based): chr3:179,218,250, A>G. VCF-style: chr3-179218250-A-G. GRCh37 (hg19) VCF-style: chr3-178936038-A-G.
Other names: c.1580A>G (NM_006218.2); short protein forms D527G.
Identifiers: ClinVar variation 1059613 (VCV001059613.10), dbSNP rs1302938521, ClinGen allele CA355264772.

ClinVar aggregate classification (germline): Uncertain significance. Review status: criteria provided, multiple submitters, no conflicts (2 of 4 stars). 2 submissions from 2 submitters: Uncertain significance (2). Last evaluated 2025-01-23.

Conditions:
Inborn genetic diseases. Identifiers: MedGen C0950123, MeSH D030342.
Cowden syndrome (CS). Also called: Cowden's disease; Cowden's syndrome; Cowden disease. Identifiers: Orphanet 201, MedGen C0018553, MONDO:0016063. Disease mechanism: gain of function.

Allele frequency attached by ClinVar (database versions not stated): gnomAD exomes below 0.00001 and 0.00001.
gnomAD v4.1: 16 of 1,610,266 alleles (0.00099%); highest among the groups gnomAD compares: Non-Finnish European, 0.0014%; no homozygotes.

Submissions (2):

Ambry Genetics
Classification: Uncertain significance for Inborn genetic diseases. Last evaluated: 2025-01-23. Review status: criteria provided, single submitter. Criteria: Ambry Variant Classification Scheme 2023. Collection method: clinical testing. Allele origin: germline.
Comment: The p.D527G variant (also known as c.1580A>G), located in coding exon 9 of the PIK3CA gene, results from an A to G substitution at nucleotide position 1580. The aspartic acid at codon 527 is replaced by glycine, an amino acid with similar properties. This amino acid position is conserved. In addition, this alteration is predicted to be deleterious by in silico analysis. Based on the available evidence, the clinical significance of this variant remains unclear.

Labcorp Genetics (formerly Invitae), Labcorp
Classification: Uncertain significance for Cowden syndrome. Last evaluated: 2020-07-29. Review status: criteria provided, single submitter. Criteria: Invitae Variant Classification Sherloc (09022015). Collection method: clinical testing. Allele origin: germline.
Comment: In summary, the available evidence is currently insufficient to determine the role of this variant in disease. Therefore, it has been classified as a Variant of Uncertain Significance. Algorithms developed to predict the effect of missense changes on protein structure and function are either unavailable or do not agree on the potential impact of this missense change (SIFT: "Deleterious"; PolyPhen-2: "Possibly Damaging"; Align-GVGD: "Class C0"). This variant has not been reported in the literature in individuals with PIK3CA-related conditions. This variant is not present in population databases (ExAC no frequency). This sequence change replaces aspartic acid with glycine at codon 527 of the PIK3CA protein (p.Asp527Gly). The aspartic acid residue is highly conserved and there is a moderate physicochemical difference between aspartic acid and glycine.